The following is an entry in ClinVar:

ClinVar aggregate classification (germline): Uncertain significance. Review status: criteria provided, multiple submitters, no conflicts (2 of 4 stars). 2 submissions from 2 submitters: Uncertain significance (2). Last evaluated 2026-01-26.

Conditions:
Inborn genetic diseases. Identifiers: MedGen C0950123, MeSH D030342.
Charcot-Marie-Tooth disease type 4. Also called: Charcot-Marie-Tooth disease, type IV; Charcot-Marie-Tooth, Type 4. Identifiers: Orphanet 64749, MedGen C4082197, MONDO:0018995.

Allele frequency attached by ClinVar (database versions not stated): TOPMed 0.00003; gnomAD 0.00005.
gnomAD v4.1: 108 of 1,581,336 alleles (0.0068%); highest among the groups gnomAD compares: Non-Finnish European, 0.0088%; no homozygotes.

Submissions (2):

Labcorp Genetics (formerly Invitae), Labcorp
Classification: Uncertain significance for Charcot-Marie-Tooth disease type 4. Last evaluated: 2026-01-26. Review status: criteria provided, single submitter. Criteria: Invitae Variant Classification Sherloc (09022015). Collection method: clinical testing. Allele origin: germline.
Comment: This sequence change replaces tyrosine, which is neutral and polar, with cysteine, which is neutral and slightly polar, at codon 18 of the FIG4 protein (p.Tyr18Cys). This variant is present in population databases (rs762687855, gnomAD 0.01%). This missense change has been observed in individual(s) with clinical features of Charcot-Marie-Tooth disease (PMID: 32376792). ClinVar contains an entry for this variant (Variation ID: 951520). An algorithm developed to predict the effect of missense changes on protein structure and function (PolyPhen-2) suggests that this variant is likely to be disruptive. In summary, the available evidence is currently insufficient to determine the role of this variant in disease. Therefore, it has been classified as a Variant of Uncertain Significance.

Ambry Genetics
Classification: Uncertain significance for Inborn genetic diseases. Last evaluated: 2020-03-24. Review status: criteria provided, single submitter. Criteria: Ambry Variant Classification Scheme 2023. Collection method: clinical testing. Allele origin: germline.
Comment: The p.Y18C variant (also known as c.53A>G), located in coding exon 1 of the FIG4 gene, results from an A to G substitution at nucleotide position 53. The tyrosine at codon 18 is replaced by cysteine, an amino acid with highly dissimilar properties. This amino acid position is highly conserved in available vertebrate species. In addition, this alteration is predicted to be deleterious by in silico analysis. Since supporting evidence is limited at this time, the clinical significance of this alteration remains unclear.

Literature cited by the submitters: PubMed 32376792 (cited by Labcorp Genetics (formerly Invitae), Labcorp).

NM_014845.6(FIG4):c.53A>G (p.Tyr18Cys)

Gene: FIG4 (FIG4 phosphoinositide 5-phosphatase; plus strand). Cytogenetic location: 6q21.
Variant type: single nucleotide variant.
Coding change: c.53A>G on transcript NM_014845.6 (MANE Select); coding-DNA position 53, A replaced by G.
Protein change: p.Tyr18Cys; replaces tyrosine 18 with cysteine.
Molecular consequence: missense variant.
Genome position (GRCh38, 1-based): chr6:109,691,488, A>G. VCF-style: chr6-109691488-A-G. GRCh37 (hg19) VCF-style: chr6-110012691-A-G.
Other names: short protein forms Y18C.
Identifiers: ClinVar variation 951520 (VCV000951520.7), dbSNP rs762687855, ClinGen allele CA365206766.